The following is an entry in ClinVar:

NM_018847.4(KLHL9):c.1813_1815del (p.Ser605del)

Gene: KLHL9 (kelch like family member 9; minus strand). Cytogenetic location: 9p21.3.
Variant type: Deletion.
Coding change: c.1813_1815del on transcript NM_018847.4 (MANE Select); coding-DNA positions 1813 to 1815, 3 bases deleted (TCT; older notation c.1813_1815delTCT).
Protein change: p.Ser605del; deletes serine 605.
Molecular consequence: inframe deletion.
Genome position (GRCh38, 1-based): chr9:21,333,045-21,333,047, AGA deleted on the plus strand (TCT on the coding strand, the reverse complement: KLHL9 is on the minus strand); deleting any 3 consecutive bases within chr9:21,333,045-21,333,049 gives the same sequence; the c. name uses the placement nearest the transcript's 3' end. VCF-style (leftmost placement, unchanged base first): chr9-21333044-TAGA-T. GRCh37 (hg19) VCF-style: chr9-21333043-TAGA-T.
Other names: short protein forms S605del.
Identifiers: ClinVar variation 1493422 (VCV001493422.6), dbSNP rs765064557, ClinGen allele CA5010465.
Genomic context (GRCh38, chr9:21,333,044, plus strand): 5'-GCAAAGGTGTTACACCTTAGACCTAAGAATGATCTGAAGGTGCTGAAAGAGGTGATTCTC[TAGA>T]AGGTGACCCAGGGTTTTCTTCAGGTGGAAAAACTGTGAGTGTACAGGCTCGAATGCCACC-3'

ClinVar aggregate classification (germline): Uncertain significance (1 of 4 stars; one submission).

Submission:

Labcorp Genetics (formerly Invitae), Labcorp
Classification: Uncertain significance. Last evaluated: 2023-05-22. Review status: criteria provided, single submitter. Criteria: Invitae Variant Classification Sherloc (09022015). Collection method: clinical testing. Allele origin: germline.
Comment: In summary, the available evidence is currently insufficient to determine the role of this variant in disease. Therefore, it has been classified as a Variant of Uncertain Significance. Experimental studies and prediction algorithms are not available or were not evaluated, and the functional significance of this variant is currently unknown. ClinVar contains an entry for this variant (Variation ID: 1493422). This variant has not been reported in the literature in individuals affected with KLHL9-related conditions. This variant is present in population databases (rs765064557, gnomAD 0.06%), and has an allele count higher than expected for a pathogenic variant. This variant, c.1813_1815del, results in the deletion of 1 amino acid(s) of the KLHL9 protein (p.Ser605del), but otherwise preserves the integrity of the reading frame.